The following is an entry in ClinVar:

NM_001367624.2(ZNF469):c.10889G>A (p.Arg3630His)

Gene: ZNF469 (zinc finger protein 469; plus strand). Cytogenetic location: 16q24.2.
Variant type: single nucleotide variant.
Coding change: c.10889G>A on transcript NM_001367624.2 (MANE Select); coding-DNA position 10889, G replaced by A.
Protein change: p.Arg3630His; replaces arginine 3630 with histidine.
Molecular consequence: missense variant.
Genome position (GRCh38, 1-based): chr16:88,438,359, G>A. VCF-style: chr16-88438359-G-A. GRCh37 (hg19) VCF-style: chr16-88504767-G-A.
Other names: NM_001127464.2:c.10805G>A; NM_001127464.1:c.10805G>A; short protein forms R3630H.
Identifiers: ClinVar variation 1343538 (VCV001343538.10), dbSNP rs758123475, ClinGen allele CA8225561.

ClinVar aggregate classification (germline): Conflicting classifications of pathogenicity. Review status: criteria provided, conflicting classifications (1 of 4 stars). 5 submissions from 5 submitters: Uncertain significance (4); Likely benign (1). Last evaluated 2026-03-18.

Conditions:
ZNF469-related disorder. Also called: ZNF469-related condition.
Ehlers-Danlos syndrome (EDS). Identifiers: Orphanet 98249, MedGen C0013720, MONDO:0020066.
Cardiovascular phenotype. Identifiers: MedGen CN230736.
Brittle cornea syndrome 1 (BCS1). Also called: DYSGENESIS MESODERMALIS CORNEAE ET SCLERAE; CORNEAL FRAGILITY, KERATOGLOBUS, BLUE SCLERAE, JOINT HYPEREXTENSIBILITY; EDS6B; FRAGILITAS OCULI WITH JOINT HYPEREXTENSIBILITY; Corneal fragility keratoglobus, blue sclerae AND joint hypermobility. Identifiers: Orphanet 90354, MedGen C0268344, MONDO:0024543, OMIM 229200.

Allele frequency attached by ClinVar (database versions not stated): ExAC 0.00007; gnomAD 0.00013; gnomAD exomes 0.00014.
gnomAD v4.1: 207 of 1,550,178 alleles (0.013%); highest among the groups gnomAD compares: African/African-American, 0.023%; 1 homozygote.

Submissions (5):

Women's Health and Genetics/Laboratory Corporation of America, LabCorp
Classification: Uncertain significance. Last evaluated: 2026-03-18. Review status: criteria provided, single submitter. Criteria: LabCorp Variant Classification Summary - May 2015. Collection method: clinical testing. Allele origin: germline.
Comment: Variant summary: ZNF469 c.10889G>A (p.Arg3630His) results in a non-conservative amino acid change in the encoded protein sequence. Algorithms developed to predict the effect of missense changes on protein structure and function are either unavailable or do not agree on the potential impact of this missense change. The variant allele was found at a frequency of 0.00014 in 148850 control chromosomes. This frequency is not significantly higher than estimated for disease-causing variants in ZNF469, allowing no conclusion about variant significance. To our knowledge, no occurrence of c.10889G>A in individuals affected with ZNF469-related conditions and no experimental evidence demonstrating its impact on protein function have been reported. ClinVar contains an entry for this variant (Variation ID: 1343538). Based on the evidence outlined above, the variant was classified as uncertain significance.

PreventionGenetics, part of Exact Sciences
Classification: Uncertain significance for ZNF469-related condition. Last evaluated: 2026-02-25. Review status: criteria provided, single submitter. Criteria: ACMG Guidelines, 2015. Collection method: clinical testing. Allele origin: germline.
Comment: The ZNF469 c.10805G>A variant is predicted to result in the amino acid substitution p.Arg3602His. To our knowledge, this variant has not been reported in the literature. This variant is reported in 0.022% of alleles in individuals of European (Non-Finnish) descent in gnomAD. At this time, the clinical significance of this variant is uncertain due to the absence of conclusive functional and genetic evidence.

Ambry Genetics
Classification: Likely benign for Cardiovascular phenotype. Last evaluated: 2024-08-19. Review status: criteria provided, single submitter. Criteria: Ambry Variant Classification Scheme 2023. Collection method: clinical testing. Allele origin: germline.

Genome Diagnostics Laboratory, The Hospital for Sick Children
Classification: Uncertain significance for Ehlers-Danlos syndrome. Last evaluated: 2021-08-06. Review status: criteria provided, single submitter. Criteria: ACMG Guidelines, 2015. Collection method: clinical testing. Allele origin: germline.

Department of Pathology and Laboratory Medicine, Sinai Health System
Classification: Uncertain significance for Brittle cornea syndrome 1. Last evaluated: 2019-11-18. Review status: criteria provided, single submitter. Criteria: ACMG Guidelines, 2015. Collection method: research. Allele origin: germline.